The following is an entry in ClinVar:

NM_000288.4(PEX7):c.38G>A (p.Arg13Gln)

Gene: PEX7 (peroxisomal biogenesis factor 7; plus strand). Cytogenetic location: 6q23.3.
Variant type: single nucleotide variant.
Coding change: c.38G>A on transcript NM_000288.4 (MANE Select); coding-DNA position 38, G replaced by A.
Protein change: p.Arg13Gln; replaces arginine 13 with glutamine.
Molecular consequence: missense variant.
Genome position (GRCh38, 1-based): chr6:136,822,703, G>A. VCF-style: chr6-136822703-G-A. GRCh37 (hg19) VCF-style: chr6-137143841-G-A.
Other names: c.38G>A (NM_000288.3); short protein forms R13Q.
Identifiers: ClinVar variation 1209595 (VCV001209595.5), dbSNP rs1220044805, ClinGen allele CA365855153.

ClinVar aggregate classification (germline): Uncertain significance. Review status: criteria provided, multiple submitters, no conflicts (2 of 4 stars). 3 submissions from 2 submitters: Uncertain significance (3). Last evaluated 2022-08-30.

Conditions:
Rhizomelic chondrodysplasia punctata type 1 (RCDP1). Also called: CHONDRODYSTROPHIA CALCIFICANS PUNCTATA; PEROXISOME BIOGENESIS DISORDER 9; PEX7-Related Rhizomelic Chondrodysplasia Punctata. Identifiers: Orphanet 177, Orphanet 309789, MedGen C1859133, MONDO:0008972, OMIM 215100. Disease mechanism: loss of function.
Peroxisome biogenesis disorder 9B. Also called: PEX7-Related Refsum Disease; PEROXISOME BIOGENESIS DISORDER, PEX7-RELATED, ATYPICAL; Refsum disease, adult, 2. Identifiers: Orphanet 773, MedGen C2749346, MONDO:0013945, OMIM 614879.
Inborn genetic diseases. Identifiers: MedGen C0950123, MeSH D030342.

Submissions (3):

Ambry Genetics
Classification: Uncertain significance for Inborn genetic diseases. Last evaluated: 2022-08-30. Review status: criteria provided, single submitter. Criteria: Ambry Variant Classification Scheme 2023. Collection method: clinical testing. Allele origin: germline.
Comment: The p.R13Q variant (also known as c.38G>A), located in coding exon 1 of the PEX7 gene, results from a G to A substitution at nucleotide position 38. The arginine at codon 13 is replaced by glutamine, an amino acid with highly similar properties. This amino acid position is conserved. In addition, the in silico prediction for this alteration is inconclusive. Since supporting evidence is limited at this time, the clinical significance of this alteration remains unclear.

Genome-Nilou Lab
Classification: Uncertain significance for Peroxisome biogenesis disorder 9B. Last evaluated: 2021-07-14. Review status: criteria provided, single submitter. Criteria: ACMG Guidelines, 2015. Collection method: clinical testing. Allele origin: germline. Affected: no.

Genome-Nilou Lab
Classification: Uncertain significance for Rhizomelic chondrodysplasia punctata type 1. Last evaluated: 2021-07-14. Review status: criteria provided, single submitter. Criteria: ACMG Guidelines, 2015. Collection method: clinical testing. Allele origin: germline. Affected: no.